The following is an entry in ClinVar:

ClinVar aggregate classification (germline): Likely pathogenic (1 of 4 stars; one submission).

Conditions:
Long QT syndrome 2 (LQT2). Identifiers: Orphanet 101016, Orphanet 768, MedGen C3150943, MONDO:0013367, OMIM 613688.

Submission:

Laboratorio de Genetica e Diagnostico Molecular, Hospital Israelita Albert Einstein
Classification: Likely pathogenic for Long QT syndrome 2. Last evaluated: 2021-07-16. Review status: criteria provided, single submitter. Criteria: ACMG Guidelines, 2015. Collection method: clinical testing. Allele origin: germline. Affected: yes.
Comment: ACMG classification criteria: PVS1 very strong, PM2 moderate

NM_000238.4(KCNH2):c.80del (p.Arg27fs)

Gene: KCNH2 (potassium voltage-gated channel subfamily H member 2; minus strand). Cytogenetic location: 7q36.1.
Variant type: Deletion.
Coding change: c.80del on transcript NM_000238.4 (MANE Select); coding-DNA position 80, one base deleted (G; older notation c.80delG).
Protein change: p.Arg27fs; shifts the reading frame from arginine 27.
Molecular consequence: frameshift variant.
Genome position (GRCh38, 1-based): chr7:150,974,938, C deleted on the plus strand (G on the coding strand, the reverse complement: KCNH2 is on the minus strand). VCF-style (leftmost placement, unchanged base first): chr7-150974937-AC-A. GRCh37 (hg19) VCF-style: chr7-150672025-AC-A.
Other names: c.-98delG (NM_001406755.1); c.80delG, p.Arg27Leufs (NM_172056.3); short protein forms R27fs.
Identifiers: ClinVar variation 1683771 (VCV001683771.2), dbSNP rs2117063981, ClinGen allele CA2573141820.
Genomic context (GRCh38, chr7:150,974,937, plus strand): 5'-GCCGTCGTTGCAGTAGATGACGGCGCAGTTCTCCACCCGAGCGTTGGCGATGATGAACTT[AC>A]GGCCTAGGGGGGCGGGGAGGAGAGTGCGCGTGAGCGGGGACCCCAGCCTCCGGGACTCCC-3'